The following is an entry in ClinVar:

NM_000238.4(KCNH2):c.935G>A (p.Arg312His)

Gene: KCNH2 (potassium voltage-gated channel subfamily H member 2; minus strand). Cytogenetic location: 7q36.1.
Variant type: single nucleotide variant.
Coding change: c.935G>A on transcript NM_000238.4 (MANE Select); coding-DNA position 935, G replaced by A.
Protein change: p.Arg312His; replaces arginine 312 with histidine.
Molecular consequence: missense variant.
Genome position (GRCh38, 1-based): chr7:150,957,484, C>T on the plus strand (G>A on the coding strand, the complement: KCNH2 is on the minus strand). VCF-style: chr7-150957484-C-T. GRCh37 (hg19) VCF-style: chr7-150654572-C-T.
Other names: c.647G>A, p.Arg216His (NM_001406753.1, NM_001406756.1); c.758G>A, p.Arg253His (NM_001406755.1); c.635G>A, p.Arg212His (NM_001406757.1); c.935G>A, p.Arg312His (NM_172056.3); short protein forms R312H, R212H, R216H, R253H.
Identifiers: ClinVar variation 456942 (VCV000456942.22), dbSNP rs747313232, ClinGen allele CA041018.

ClinVar aggregate classification (germline): Uncertain significance. Review status: criteria provided, multiple submitters, no conflicts (2 of 4 stars). 6 submissions from 6 submitters: Uncertain significance (4). 2 of the submissions do not count toward it. Last evaluated 2025-09-02.

Conditions:
Cardiovascular phenotype. Identifiers: MedGen CN230736.
Cardiac arrhythmia. Also called: Cardiac rhythm disease; Arrhythmia. Identifiers: MedGen C0003811, MONDO:0007263, HP:0011675.
Long QT syndrome (LQTS). Identifiers: MedGen C0023976, MeSH D008133, MONDO:0002442. Disease mechanism: loss of function. Inheritance: Various modes of inheritance.

Allele frequency attached by ClinVar (database versions not stated): ExAC 0.00001; gnomAD exomes 0.00001.
gnomAD v4.1: 40 of 1,613,634 alleles (0.0025%); highest among the groups gnomAD compares: Admixed American, 0.0067%; no homozygotes.

Submissions (6):

Ambry Genetics
Classification: Uncertain significance for Cardiovascular phenotype. Last evaluated: 2025-09-02. Review status: criteria provided, single submitter. Criteria: Ambry Variant Classification Scheme 2023. Collection method: clinical testing. Allele origin: germline.
Comment: The p.R312H variant (also known as c.935G>A), located in coding exon 5 of the KCNH2 gene, results from a G to A substitution at nucleotide position 935. The arginine at codon 312 is replaced by histidine, an amino acid with highly similar properties, and is located in the N-terminal region. This amino acid position is well conserved in available vertebrate species. In addition, this alteration is predicted to be deleterious by in silico analysis. Since supporting evidence is limited at this time, the clinical significance of this alteration remains unclear.

Labcorp Genetics (formerly Invitae), Labcorp
Classification: Uncertain significance for Long QT syndrome. Last evaluated: 2024-09-27. Review status: criteria provided, single submitter. Criteria: Invitae Variant Classification Sherloc (09022015). Collection method: clinical testing. Allele origin: germline.
Comment: This sequence change replaces arginine, which is basic and polar, with histidine, which is basic and polar, at codon 312 of the KCNH2 protein (p.Arg312His). This variant is present in population databases (rs747313232, gnomAD 0.006%). This variant has not been reported in the literature in individuals affected with KCNH2-related conditions. ClinVar contains an entry for this variant (Variation ID: 456942). An algorithm developed to predict the effect of missense changes on protein structure and function (PolyPhen-2) suggests that this variant is likely to be disruptive. In summary, the available evidence is currently insufficient to determine the role of this variant in disease. Therefore, it has been classified as a Variant of Uncertain Significance.

All of Us Research Program, National Institutes of Health
Classification: Uncertain significance for Long QT syndrome. Last evaluated: 2024-07-15. Review status: criteria provided, single submitter. Criteria: ACMG Guidelines, 2015. Collection method: clinical testing. Allele origin: germline. Inheritance: Autosomal dominant inheritance. Observed: 5 variant alleles, 5 heterozygotes.
Comment: This missense variant replaces arginine with histidine at codon 312 of the KCNH2 protein. Computational prediction is inconclusive regarding the impact of this variant on protein structure and function (internally defined REVEL score threshold 0.5 < inconclusive < 0.7, PMID: 27666373). To our knowledge, functional studies have not been reported for this variant. This variant has not been reported in individuals affected with cardiovascular disorders in the literature. This variant has been identified in 3/250374 chromosomes in the general population by the Genome Aggregation Database (gnomAD). The available evidence is insufficient to determine the role of this variant in disease conclusively. Therefore, this variant is classified as a Variant of Uncertain Significance.

This study involves interpretation of variants in research participants for the purpose of population health screening. Participant phenotype was not available at the time of variant classification. Additional details can be found in publication PMID: 35346344, PMCID: PMC8962531

Color Diagnostics, LLC DBA Color Health
Classification: Uncertain significance for Cardiac arrhythmia. Last evaluated: 2024-03-27. Review status: criteria provided, single submitter. Criteria: ACMG Guidelines, 2015. Collection method: clinical testing. Allele origin: germline.
Comment: This missense variant replaces arginine with histidine at codon 312 of the KCNH2 protein. Computational prediction is inconclusive regarding the impact of this variant on protein structure and function. To our knowledge, functional studies have not been reported for this variant. This variant has not been reported in individuals affected with KCNH2-related disorders in the literature. This variant has been identified in 3/250374 chromosomes in the general population by the Genome Aggregation Database (gnomAD). The available evidence is insufficient to determine the role of this variant in disease conclusively. Therefore, this variant is classified as a Variant of Uncertain Significance.

Clinical Genetics, Academic Medical Center
Classification: Uncertain significance. Review status: no assertion criteria provided. Collection method: clinical testing. Allele origin: germline. Affected: yes. Study: VKGL Data-share Consensus. Not counted in ClinVar's aggregate classification.

Joint Genome Diagnostic Labs from Nijmegen and Maastricht, Radboudumc and MUMC+
Classification: Uncertain significance. Review status: no assertion criteria provided. Collection method: clinical testing. Allele origin: germline. Affected: yes. Study: VKGL Data-share Consensus. Not counted in ClinVar's aggregate classification.